The following is an entry in ClinVar:

NM_181486.4(TBX5):c.68C>A (p.Pro23His)

Gene: TBX5 (T-box transcription factor 5; minus strand). Cytogenetic location: 12q24.21.
Variant type: single nucleotide variant.
Coding change: c.68C>A on transcript NM_181486.4 (MANE Select); coding-DNA position 68, C replaced by A.
Protein change: p.Pro23His; replaces proline 23 with histidine.
Molecular consequence: missense variant. On other transcripts: intron variant (1).
Genome position (GRCh38, 1-based): chr12:114,403,831, G>T on the plus strand (C>A on the coding strand, the complement: TBX5 is on the minus strand). VCF-style: chr12-114403831-G-T. GRCh37 (hg19) VCF-style: chr12-114841636-G-T.
Other names: c.68C>A, p.Pro23His (NM_000192.3); c.-3-1911C>A (NM_080717.4); short protein forms P23H.
Identifiers: ClinVar variation 307310 (VCV000307310.17), dbSNP rs141609745, ClinGen allele CA6809732.

ClinVar aggregate classification (germline): Conflicting classifications of pathogenicity. Review status: criteria provided, conflicting classifications (1 of 4 stars). 4 submissions from 4 submitters: Uncertain significance (1); Likely benign (3). Last evaluated 2025-09-13.

Conditions:
Aortic valve disease 2 (AOVD2). Identifiers: MedGen C3542024, MONDO:0013902, OMIM 614823.
Holt-Oram syndrome (HOS). Also called: TBX5-Related Holt-Oram Syndrome; Ventriculo-radial syndrome; Cardiac-limb syndrome; Heart-hand syndrome, type 1. Identifiers: Orphanet 392, MedGen C0265264, MONDO:0007732, OMIM 142900.
Cardiovascular phenotype. Identifiers: MedGen CN230736.

Allele frequency attached by ClinVar (database versions not stated): gnomAD 0.00019; TOPMed 0.00019; 1000 Genomes Project 0.00020; 1000 Genomes Project 30x 0.00031; ESP Exome Variant Server 0.00038.
gnomAD v4.1: 494 of 1,614,098 alleles (0.031%); highest among the groups gnomAD compares: Non-Finnish European, 0.04%; no homozygotes.

Submissions (4):

Labcorp Genetics (formerly Invitae), Labcorp
Classification: Likely benign for Aortic valve disease 2. Last evaluated: 2025-09-13. Review status: criteria provided, single submitter. Criteria: Invitae Variant Classification Sherloc (09022015). Collection method: clinical testing. Allele origin: germline.

Blueprint Genetics
Classification: Likely benign. Last evaluated: 2024-11-01. Review status: criteria provided, single submitter. Criteria: ACMG Guidelines, 2015. Collection method: clinical testing. Allele origin: germline.

Ambry Genetics
Classification: Uncertain significance for Cardiovascular phenotype. Last evaluated: 2021-10-06. Review status: criteria provided, single submitter. Criteria: Ambry Variant Classification Scheme 2023. Collection method: clinical testing. Allele origin: germline.

Illumina Laboratory Services, Illumina
Classification: Likely benign for Holt-Oram syndrome. Last evaluated: 2017-04-27. Review status: criteria provided, single submitter. Criteria: ICSL Variant Classification Criteria 13 December 2019. Collection method: clinical testing. Allele origin: germline.
Comment: This variant was observed as part of a predisposition screen in an ostensibly healthy population. A literature search was performed for the gene, cDNA change, and amino acid change (where applicable). No publications were found based on this search. Allele frequency data from public databases allowed determination this variant is unlikely to cause disease. Therefore, this variant is classified as likely benign.